The following is an entry in ClinVar:

NM_000824.5(GLRB):c.1478G>C (p.Trp493Ser)

Gene: GLRB (glycine receptor beta; plus strand). Cytogenetic location: 4q32.1.
Variant type: single nucleotide variant.
Coding change: c.1478G>C on transcript NM_000824.5 (MANE Select); coding-DNA position 1478, G replaced by C.
Protein change: p.Trp493Ser; replaces tryptophan 493 with serine.
Molecular consequence: missense variant. On other transcripts: 3 prime UTR variant (1).
Genome position (GRCh38, 1-based): chr4:157,170,712, G>C. VCF-style: chr4-157170712-G-C. GRCh37 (hg19) VCF-style: chr4-158091864-G-C.
Other names: c.1478G>C, p.Trp493Ser (NM_001166060.2); c.*273G>C (NM_001166061.2); c.1478G>C (NM_000824.4); short protein forms W493S.
Identifiers: ClinVar variation 2155292 (VCV002155292.5), dbSNP rs1226476075, ClinGen allele CA358645472.

ClinVar aggregate classification (germline): Conflicting classifications of pathogenicity. Review status: criteria provided, conflicting classifications (1 of 4 stars). 2 submissions from 2 submitters: Likely pathogenic (1); Uncertain significance (1). Last evaluated 2023-11-27.

Conditions:
Hyperekplexia 2 (HKPX2). Identifiers: Orphanet 3197, MedGen C3553291, MONDO:0013828, OMIM 614619.

Allele frequency attached by ClinVar (database versions not stated): gnomAD exomes below 0.00001.
gnomAD v4.1: 3 of 1,530,194 alleles (0.0002%); highest among the groups gnomAD compares: Non-Finnish European, 0.00018%; no homozygotes.

Submissions (2):

Labcorp Genetics (formerly Invitae), Labcorp
Classification: Uncertain significance for Hyperekplexia 2. Last evaluated: 2023-11-27. Review status: criteria provided, single submitter. Criteria: Invitae Variant Classification Sherloc (09022015). Collection method: clinical testing. Allele origin: germline.
Comment: This sequence change replaces tryptophan, which is neutral and slightly polar, with serine, which is neutral and polar, at codon 493 of the GLRB protein (p.Trp493Ser). This variant is present in population databases (no rsID available, gnomAD 0.004%). This variant has not been reported in the literature in individuals affected with GLRB-related conditions. ClinVar contains an entry for this variant (Variation ID: 2155292). An algorithm developed to predict the effect of missense changes on protein structure and function (PolyPhen-2) suggests that this variant is likely to be disruptive. In summary, the available evidence is currently insufficient to determine the role of this variant in disease. Therefore, it has been classified as a Variant of Uncertain Significance.

Clinical Genetics Service, Universitary Hospital 12 de Octubre
Classification: Likely pathogenic for Hyperekplexia 2. Review status: criteria provided, single submitter. Criteria: ACMG Guidelines, 2015. Collection method: clinical testing. Allele origin: germline. Affected: yes.